The following is an entry in ClinVar:

NM_006509.4(RELB):c.704T>C (p.Ile235Thr)

Gene: RELB (RELB proto-oncogene, NF-kB subunit; plus strand). Cytogenetic location: 19q13.32.
Variant type: single nucleotide variant.
Coding change: c.704T>C on transcript NM_006509.4 (MANE Select); coding-DNA position 704, T replaced by C.
Protein change: p.Ile235Thr; replaces isoleucine 235 with threonine.
Molecular consequence: missense variant.
Genome position (GRCh38, 1-based): chr19:45,025,370, T>C. VCF-style: chr19-45025370-T-C. GRCh37 (hg19) VCF-style: chr19-45528628-T-C.
Other names: c.695T>C, p.Ile232Thr (NM_001411087.1); short protein forms I232T, I235T.
Identifiers: ClinVar variation 4808855 (VCV004808855.1).
Genomic context (GRCh38, chr19:45,025,370, plus strand): 5'-TCCCCCGTCACCCCCTCAGTTTTAACAACCTGGGCATCCAGTGTGTGAGGAAGAAGGAGA[T>C]TGAGGCTGCCATTGAGCGGAAGATTCAACTGGGCATTGACCCCTACAACGGTGAGCACCC-3'
Protein context (NP_006500.2, residues 225-245): LGIQCVRKKE[Ile235Thr]EAAIERKIQL

ClinVar aggregate classification (germline): Uncertain significance (1 of 4 stars; one submission).

gnomAD v4.1: 11 of 1,612,954 alleles (0.00068%); highest among the groups gnomAD compares: Admixed American, 0.012%; no homozygotes.

Submission:

Labcorp Genetics (formerly Invitae), Labcorp
Classification: Uncertain significance. Last evaluated: 2026-01-11. Review status: criteria provided, single submitter. Criteria: Invitae Variant Classification Sherloc (09022015). Collection method: clinical testing. Allele origin: germline.
Comment: This sequence change replaces isoleucine, which is neutral and non-polar, with threonine, which is neutral and polar, at codon 235 of the RELB protein (p.Ile235Thr). This variant is present in population databases (no rsID available, gnomAD 0.02%). This variant has not been reported in the literature in individuals affected with RELB-related conditions. An algorithm developed to predict the effect of missense changes on protein structure and function (PolyPhen-2) suggests that this variant is likely to be disruptive. In summary, the available evidence is currently insufficient to determine the role of this variant in disease. Therefore, it has been classified as a Variant of Uncertain Significance.